The following is an entry in ClinVar:

ClinVar aggregate classification (germline): Uncertain significance (1 of 4 stars; one submission).

Submission:

GeneDx
Classification: Uncertain significance. Last evaluated: 2026-02-25. Review status: criteria provided, single submitter. Criteria: GeneDx Variant Classification Process June 2021. Collection method: clinical testing. Allele origin: germline.
Comment: Not observed at significant frequency in large population cohorts (gnomAD); In silico analysis supports that this missense variant has a deleterious effect on protein structure/function; Has not been previously published as pathogenic or benign to our knowledge

NM_020166.5(MCCC1):c.377A>T (p.His126Leu)

Gene: MCCC1 (methylcrotonyl-CoA carboxylase subunit 1; minus strand). Cytogenetic location: 3q27.1.
Variant type: single nucleotide variant.
Coding change: c.377A>T on transcript NM_020166.5 (MANE Select); coding-DNA position 377, A replaced by T.
Protein change: p.His126Leu; replaces histidine 126 with leucine.
Molecular consequence: missense variant. On other transcripts: non-coding transcript variant (2), intron variant (1).
Genome position (GRCh38, 1-based): chr3:183,072,480, T>A on the plus strand (A>T on the coding strand, the complement: MCCC1 is on the minus strand). VCF-style: chr3-183072480-T-A. GRCh37 (hg19) VCF-style: chr3-182790268-T-A.
Other names: c.50A>T, p.His17Leu (NM_001363880.1); c.141-1123A>T (NM_001293273.2); short protein forms H17L, H126L.
Identifiers: ClinVar variation 5007957 (VCV005007957.1).
Genomic context (GRCh38, chr3:183,072,480, plus strand): 5'-CCTTCTTGCTTACAAAGTTCAGCAAATTCCATGTTTTCTGAGAGAAAACCGCATCCTGGA[T>A]GGATAGCCTAGAAATGAGAAATAAAATAAAAAATTTACTCATCAGTGCTCAACTGGCAAC-3'
Protein context (NP_064551.3, residues 116-136): VAKTSAAQAI[His126Leu]PGCGFLSENM